The following is an entry in ClinVar:

ClinVar aggregate classification (germline): Likely pathogenic (1 of 4 stars; one submission).

Submission:

Labcorp Genetics (formerly Invitae), Labcorp
Classification: Likely pathogenic. Last evaluated: 2023-12-18. Review status: criteria provided, single submitter. Criteria: Invitae Variant Classification Sherloc (09022015). Collection method: clinical testing. Allele origin: germline.
Comment: This sequence change affects an acceptor splice site in intron 19 of the MYO15A gene. It is expected to disrupt RNA splicing. Variants that disrupt the donor or acceptor splice site typically lead to a loss of protein function (PMID: 16199547), and loss-of-function variants in MYO15A are known to be pathogenic (PMID: 17546645). This variant is not present in population databases (gnomAD no frequency). Disruption of this splice site has been observed in individual(s) with nonsyndromic hearing loss (PMID: 26561413). Algorithms developed to predict the effect of sequence changes on RNA splicing suggest that this variant may disrupt the consensus splice site. In summary, the currently available evidence indicates that the variant is pathogenic, but additional data are needed to prove that conclusively. Therefore, this variant has been classified as Likely Pathogenic.

Literature cited by the submitters: PubMed 16199547; PubMed 17546645; PubMed 26561413.

NM_016239.4(MYO15A):c.5212-2A>G

Gene: MYO15A (myosin XVA; plus strand). Cytogenetic location: 17p11.2.
Variant type: single nucleotide variant.
Coding change: c.5212-2A>G on transcript NM_016239.4 (MANE Select); the canonical splice acceptor site of the intron before coding-DNA position 5212, A replaced by G.
Molecular consequence: splice acceptor variant.
Genome position (GRCh38, 1-based): chr17:18,140,515, A>G. VCF-style: chr17-18140515-A-G. GRCh37 (hg19) VCF-style: chr17-18043829-A-G.
Identifiers: ClinVar variation 2736471 (VCV002736471.3), dbSNP rs200760936, ClinGen allele CA288403229.